The following is an entry in ClinVar:

NC_000016.9:g.(?_74505051)_(74695347_?)dup

Genes: GLG1 (golgi glycoprotein 1; minus strand), RFWD3 (ring finger and WD repeat domain 3; minus strand). Cytogenetic location: 16q23.1.
Variant type: Duplication.
Identifiers: ClinVar variation 2426448 (VCV002426448.3).

ClinVar aggregate classification (germline): Uncertain significance (1 of 4 stars; one submission).

Submission:

Labcorp Genetics (formerly Invitae), Labcorp
Classification: Uncertain significance. Last evaluated: 2022-06-03. Review status: criteria provided, single submitter. Criteria: Invitae Variant Classification Sherloc (09022015). Collection method: clinical testing. Allele origin: germline.
Comment: A copy number gain of the genomic region encompassing the full coding sequence of the RFWD3 gene has been identified. The boundaries of this event are unknown as they extend beyond the assayed region for this gene and therefore may encompass additional genes. As the precise location of this event is unknown, it may be in tandem or it may be located elsewhere in the genome. This variant has not been reported in the literature in individuals affected with RFWD3-related conditions. In summary, the available evidence is currently insufficient to determine the role of this variant in disease. Therefore, it has been classified as a Variant of Uncertain Significance.